The following is an entry in ClinVar:

ClinVar aggregate classification (germline): Uncertain significance. Review status: criteria provided, multiple submitters, no conflicts (2 of 4 stars). 2 submissions from 2 submitters: Uncertain significance (2). Last evaluated 2025-12-04.

Conditions:
Inborn genetic diseases. Identifiers: MedGen C0950123, MeSH D030342.
Autosomal dominant Parkinson disease 8. Also called: LRRK2-Related Parkinson Disease; Parkinson disease 8; Parkinson disease 8, susceptibility to. Identifiers: Orphanet 411602, MedGen C1846862, MONDO:0011764, OMIM 607060.

Allele frequency attached by ClinVar (database versions not stated): ExAC 0.00001; gnomAD 0.00001; TOPMed 0.00001; gnomAD exomes 0.00003.
gnomAD v4.1: 51 of 1,614,012 alleles (0.0032%); highest among the groups gnomAD compares: Non-Finnish European, 0.0042%; no homozygotes.

Submissions (2):

Ambry Genetics
Classification: Uncertain significance for Inborn genetic diseases. Last evaluated: 2025-12-04. Review status: criteria provided, single submitter. Criteria: Ambry Variant Classification Scheme 2023. Collection method: clinical testing. Allele origin: germline.

Labcorp Genetics (formerly Invitae), Labcorp
Classification: Uncertain significance for Autosomal dominant Parkinson disease 8. Last evaluated: 2024-10-02. Review status: criteria provided, single submitter. Criteria: Invitae Variant Classification Sherloc (09022015). Collection method: clinical testing. Allele origin: germline.
Comment: This sequence change replaces asparagine, which is neutral and polar, with serine, which is neutral and polar, at codon 721 of the LRRK2 protein (p.Asn721Ser). This variant is present in population databases (rs764319889, gnomAD 0.004%). This variant has not been reported in the literature in individuals affected with LRRK2-related conditions. ClinVar contains an entry for this variant (Variation ID: 1786927). An algorithm developed to predict the effect of missense changes on protein structure and function outputs the following: PolyPhen-2: "Benign". The serine amino acid residue is found in multiple mammalian species, which suggests that this missense change does not adversely affect protein function. In summary, the available evidence is currently insufficient to determine the role of this variant in disease. Therefore, it has been classified as a Variant of Uncertain Significance.

NM_198578.4(LRRK2):c.2162A>G (p.Asn721Ser)

Gene: LRRK2 (leucine rich repeat kinase 2; plus strand). Cytogenetic location: 12q12.
Variant type: single nucleotide variant.
Coding change: c.2162A>G on transcript NM_198578.4 (MANE Select); coding-DNA position 2162, A replaced by G.
Protein change: p.Asn721Ser; replaces asparagine 721 with serine.
Molecular consequence: missense variant.
Genome position (GRCh38, 1-based): chr12:40,278,182, A>G. VCF-style: chr12-40278182-A-G. GRCh37 (hg19) VCF-style: chr12-40671984-A-G.
Other names: short protein forms N721S.
Identifiers: ClinVar variation 1786927 (VCV001786927.7), dbSNP rs764319889, ClinGen allele CA6513569.